The following is an entry in ClinVar:

NM_012275.3(IL36RN):c.194G>A (p.Ser65Asn)

Gene: IL36RN (interleukin 36 receptor antagonist; plus strand). Cytogenetic location: 2q14.1.
Variant type: single nucleotide variant.
Coding change: c.194G>A on transcript NM_012275.3 (MANE Select); coding-DNA position 194, G replaced by A.
Protein change: p.Ser65Asn; replaces serine 65 with asparagine.
Molecular consequence: missense variant.
Genome position (GRCh38, 1-based): chr2:113,062,202, G>A. VCF-style: chr2-113062202-G-A. GRCh37 (hg19) VCF-style: chr2-113819779-G-A.
Other names: c.194G>A, p.Ser65Asn (NM_173170.1); short protein forms S65N.
Identifiers: ClinVar variation 1045497 (VCV001045497.9), dbSNP rs781328070, ClinGen allele CA1838384.
Genomic context (GRCh38, chr2:113,062,202, plus strand): 5'-TCCCCAATCGGTGGCTGGATGCCAGCCTGTCCCCCGTCATCCTGGGTGTCCAGGGTGGAA[G>A]CCAGTGCCTGTCATGTGGGGTGGGGCAGGAGCCGACTCTAACACTAGAGGTGAGACTTGG-3'
Protein context (NP_036407.1, residues 55-75): SPVILGVQGG[Ser65Asn]QCLSCGVGQE

ClinVar aggregate classification (germline): Uncertain significance (1 of 4 stars; one submission).

Conditions:
Generalized pustular psoriasis. Identifiers: Orphanet 247353, MedGen C0343055, MONDO:0100491.

Allele frequency attached by ClinVar (database versions not stated): gnomAD 0.00001; TOPMed 0.00001; gnomAD exomes 0.00002 and 0.00008; ExAC 0.00008.
gnomAD v4.1: 28 of 1,613,984 alleles (0.0017%); highest among the groups gnomAD compares: East Asian, 0.031%; no homozygotes.

Submission:

Labcorp Genetics (formerly Invitae), Labcorp
Classification: Uncertain significance for Generalized pustular psoriasis. Last evaluated: 2023-07-17. Review status: criteria provided, single submitter. Criteria: Invitae Variant Classification Sherloc (09022015). Collection method: clinical testing. Allele origin: germline.
Comment: In summary, the available evidence is currently insufficient to determine the role of this variant in disease. Therefore, it has been classified as a Variant of Uncertain Significance. An algorithm developed to predict the effect of missense changes on protein structure and function (PolyPhen-2) suggests that this variant¬†is likely to be tolerated. ClinVar contains an entry for this variant (Variation ID: 1045497). This variant has not been reported in the literature in individuals affected with IL36RN-related conditions. This variant is present in population databases (rs781328070, gnomAD 0.08%). This sequence change replaces serine, which is neutral and polar, with asparagine, which is neutral and polar, at codon 65 of the IL36RN protein (p.Ser65Asn).